The following is an entry in ClinVar:

NM_001042545.2(LTBP4):c.2409G>T (p.Ser803=)

Gene: LTBP4 (latent transforming growth factor beta binding protein 4; plus strand). Cytogenetic location: 19q13.2.
Variant type: single nucleotide variant.
Coding change: c.2409G>T on transcript NM_001042545.2 (MANE Select); coding-DNA position 2409, G replaced by T.
Protein change: p.Ser803=; no amino-acid change (serine 803 retained).
Molecular consequence: synonymous variant.
Genome position (GRCh38, 1-based): chr19:40,613,174, G>T. VCF-style: chr19-40613174-G-T. GRCh37 (hg19) VCF-style: chr19-41119080-G-T.
Other names: c.2610G>T, p.Ser870= (NM_001042544.1); c.2499G>T, p.Ser833= (NM_003573.2).
Identifiers: ClinVar variation 672386 (VCV000672386.5), dbSNP rs373819567, ClinGen allele CA9448655.

ClinVar aggregate classification (germline): Likely benign. Review status: criteria provided, multiple submitters, no conflicts (2 of 4 stars). 2 submissions from 2 submitters: Likely benign (2). Last evaluated 2025-10-16.

Allele frequency attached by ClinVar (database versions not stated): TOPMed 0.00002.
gnomAD v4.1: 18 of 1,572,230 alleles (0.0011%); highest among the groups gnomAD compares: Admixed American, 0.034%; no homozygotes.

Submissions (2):

Labcorp Genetics (formerly Invitae), Labcorp
Classification: Likely benign. Last evaluated: 2025-10-16. Review status: criteria provided, single submitter. Criteria: Invitae Variant Classification Sherloc (09022015). Collection method: clinical testing. Allele origin: germline.

GeneDx
Classification: Likely benign. Last evaluated: 2018-06-19. Review status: criteria provided, single submitter. Criteria: GeneDx Variant Classification (06012015). Collection method: clinical testing. Allele origin: germline. Affected: yes.
Comment: This variant is considered likely benign or benign based on one or more of the following criteria: it is a conservative change, it occurs at a poorly conserved position in the protein, it is predicted to be benign by multiple in silico algorithms, and/or has population frequency not consistent with disease.